The following is an entry in ClinVar:

ClinVar aggregate classification (germline): Uncertain significance. Review status: criteria provided, multiple submitters, no conflicts (2 of 4 stars). 2 submissions from 2 submitters: Uncertain significance (2). Last evaluated 2024-02-24.

Conditions:
Inborn genetic diseases. Identifiers: MedGen C0950123, MeSH D030342.

Allele frequency attached by ClinVar (database versions not stated): gnomAD exomes 0.00001; gnomAD 0.00002 and 0.00004; TOPMed 0.00006.

Submissions (2):

Labcorp Genetics (formerly Invitae), Labcorp
Classification: Uncertain significance. Last evaluated: 2024-02-24. Review status: criteria provided, single submitter. Criteria: Invitae Variant Classification Sherloc (09022015). Collection method: clinical testing. Allele origin: germline.
Comment: This sequence change replaces proline, which is neutral and non-polar, with leucine, which is neutral and non-polar, at codon 17 of the SPEG protein (p.Pro17Leu). The frequency data for this variant in the population databases is considered unreliable, as metrics indicate poor data quality at this position in the gnomAD database. This variant has not been reported in the literature in individuals affected with SPEG-related conditions. ClinVar contains an entry for this variant (Variation ID: 1497376). An algorithm developed to predict the effect of missense changes on protein structure and function (PolyPhen-2) suggests that this variant is likely to be tolerated. In summary, the available evidence is currently insufficient to determine the role of this variant in disease. Therefore, it has been classified as a Variant of Uncertain Significance.

Ambry Genetics
Classification: Uncertain significance for Inborn genetic diseases. Last evaluated: 2024-02-14. Review status: criteria provided, single submitter. Criteria: Ambry Variant Classification Scheme 2023. Collection method: clinical testing. Allele origin: germline.

NM_005876.5(SPEG):c.50C>T (p.Pro17Leu)

Gene: SPEG (striated muscle enriched protein kinase; plus strand). Cytogenetic location: 2q35.
Variant type: single nucleotide variant.
Coding change: c.50C>T on transcript NM_005876.5 (MANE Select); coding-DNA position 50, C replaced by T.
Protein change: p.Pro17Leu; replaces proline 17 with leucine.
Molecular consequence: missense variant.
Genome position (GRCh38, 1-based): chr2:219,435,027, C>T. VCF-style: chr2-219435027-C-T. GRCh37 (hg19) VCF-style: chr2-220299749-C-T.
Other names: c.50C>T (NM_005876.4); short protein forms P17L.
Identifiers: ClinVar variation 1497376 (VCV001497376.7), dbSNP rs934221054, ClinGen allele CA65993238.